The following is an entry in ClinVar:

NM_001271.4(CHD2):c.1327A>G (p.Ser443Gly)

Gene: CHD2 (chromodomain helicase DNA binding protein 2; plus strand). Cytogenetic location: 15q26.1.
Variant type: single nucleotide variant.
Coding change: c.1327A>G on transcript NM_001271.4 (MANE Select); coding-DNA position 1327, A replaced by G.
Protein change: p.Ser443Gly; replaces serine 443 with glycine.
Molecular consequence: missense variant.
Genome position (GRCh38, 1-based): chr15:92,946,166, A>G. VCF-style: chr15-92946166-A-G. GRCh37 (hg19) VCF-style: chr15-93489396-A-G.
Other names: c.1327A>G, p.Ser443Gly (NM_001042572.3); short protein forms S443G.
Identifiers: ClinVar variation 1419571 (VCV001419571.8), dbSNP rs2141795625, ClinGen allele CA393903885.

ClinVar aggregate classification (germline): Uncertain significance (1 of 4 stars; one submission).

Conditions:
Developmental and epileptic encephalopathy 94 (DEE94). Also called: Epileptic encephalopathy, childhood-onset; CHD2-Related Neurodevelopmental Disorders. Identifiers: Orphanet 1942, Orphanet 2382, MedGen C3809278, MONDO:0014150, OMIM 615369.

Allele frequency attached by ClinVar (database versions not stated): gnomAD exomes below 0.00001.
gnomAD v4.1: 3 of 1,613,820 alleles (0.00019%); highest among the groups gnomAD compares: Non-Finnish European, 0.00025%; no homozygotes.

Submission:

Labcorp Genetics (formerly Invitae), Labcorp
Classification: Uncertain significance for Developmental and epileptic encephalopathy 94. Last evaluated: 2020-10-29. Review status: criteria provided, single submitter. Criteria: Invitae Variant Classification Sherloc (09022015). Collection method: clinical testing. Allele origin: germline.
Comment: This variant is not present in population databases (ExAC no frequency). In summary, the available evidence is currently insufficient to determine the role of this variant in disease. Therefore, it has been classified as a Variant of Uncertain Significance. Advanced modeling of protein sequence and biophysical properties (such as structural, functional, and spatial information, amino acid conservation, physicochemical variation, residue mobility, and thermodynamic stability) performed at Invitae indicates that this missense variant is not expected to disrupt CHD2 protein function. This variant has not been reported in the literature in individuals with CHD2-related conditions. This sequence change replaces serine with glycine at codon 443 of the CHD2 protein (p.Ser443Gly). The serine residue is highly conserved and there is a small physicochemical difference between serine and glycine.